The following is an entry in ClinVar:

ClinVar aggregate classification (germline): Likely benign. Review status: criteria provided, multiple submitters, no conflicts (2 of 4 stars). 2 submissions from 2 submitters: Likely benign (2). Last evaluated 2024-01-04.

Conditions:
Mitochondrial DNA depletion syndrome, encephalomyopathic form with methylmalonic aciduria (MTDPS5). Also called: MITOCHONDRIAL DNA DEPLETION SYNDROME, ENCEPHALOMYOPATHIC FORM, WITH OR WITHOUT METHYLMALONIC ACIDURIA, AUTOSOMAL RECESSIVE, SUCLA2-RELATED; Mitochondrial DNA depletion syndrome 5 (encephalomyopathic with or without methylmalonic aciduria); SUCLA2-Related Mitochondrial DNA Depletion Syndrome, Encephalomyopathic Form with Methylmalonic Aciduria; Mitochondrial encephalomyopathy aminoacidopathy. Identifiers: Orphanet 1933, MedGen C5980207, MONDO:0012791, OMIM 612073.

Allele frequency attached by ClinVar (database versions not stated): gnomAD exomes 0.00001; TOPMed 0.00001; ExAC 0.00002.
gnomAD v4.1: 6 of 1,614,002 alleles (0.00037%); highest among the groups gnomAD compares: Non-Finnish European, 0.00051%; no homozygotes.

Submissions (2):

Labcorp Genetics (formerly Invitae), Labcorp
Classification: Likely benign for Mitochondrial DNA depletion syndrome, encephalomyopathic form with methylmalonic aciduria. Last evaluated: 2024-01-04. Review status: criteria provided, single submitter. Criteria: Invitae Variant Classification Sherloc (09022015). Collection method: clinical testing. Allele origin: germline.

GeneDx
Classification: Likely benign. Last evaluated: 2016-11-25. Review status: criteria provided, single submitter. Criteria: GeneDx Variant Classification (06012015). Collection method: clinical testing. Allele origin: germline. Affected: yes.
Comment: This variant is considered likely benign or benign based on one or more of the following criteria: it is a conservative change, it occurs at a poorly conserved position in the protein, it is predicted to be benign by multiple in silico algorithms, and/or has population frequency not consistent with disease.

NM_003850.3(SUCLA2):c.964+17T>C

Gene: SUCLA2 (succinate-CoA ligase ADP-forming subunit beta; minus strand). Cytogenetic location: 13q14.2.
Variant type: single nucleotide variant.
Coding change: c.964+17T>C on transcript NM_003850.3 (MANE Select); 17 bases into the intron after coding-DNA position 964, T replaced by C.
Molecular consequence: intron variant.
Genome position (GRCh38, 1-based): chr13:47,954,379, A>G on the plus strand (T>C on the coding strand, the complement: SUCLA2 is on the minus strand). VCF-style: chr13-47954379-A-G. GRCh37 (hg19) VCF-style: chr13-48528514-A-G.
Identifiers: ClinVar variation 391092 (VCV000391092.4), dbSNP rs779776982, ClinGen allele CA6977875.